The following is an entry in ClinVar:

ClinVar aggregate classification (germline): Uncertain significance (1 of 4 stars; one submission).

Conditions:
Inborn genetic diseases. Identifiers: MedGen C0950123, MeSH D030342.

Submission:

Ambry Genetics
Classification: Uncertain significance for Inborn genetic diseases. Last evaluated: 2026-01-21. Review status: criteria provided, single submitter. Criteria: Ambry Variant Classification Scheme 2023. Collection method: clinical testing. Allele origin: germline.
Comment: The p.R61L variant (also known as c.182G>T), located in coding exon 1 of the LTBP3 gene, results from a G to T substitution at nucleotide position 182. The arginine at codon 61 is replaced by leucine, an amino acid with dissimilar properties. This amino acid position is conserved. In addition, the in silico prediction for this alteration is inconclusive. Based on the available evidence, the clinical significance of this variant remains unclear.

NM_001130144.3(LTBP3):c.182G>T (p.Arg61Leu)

Gene: LTBP3 (latent transforming growth factor beta binding protein 3; minus strand). Cytogenetic location: 11q13.1.
Variant type: single nucleotide variant.
Coding change: c.182G>T on transcript NM_001130144.3 (MANE Select); coding-DNA position 182, G replaced by T.
Protein change: p.Arg61Leu; replaces arginine 61 with leucine.
Molecular consequence: missense variant. On other transcripts: 5 prime UTR variant (1).
Genome position (GRCh38, 1-based): chr11:65,557,778, C>A on the plus strand (G>T on the coding strand, the complement: LTBP3 is on the minus strand). VCF-style: chr11-65557778-C-A. GRCh37 (hg19) VCF-style: chr11-65325249-C-A.
Other names: c.182G>T, p.Arg61Leu (NM_021070.4); c.-166G>T (NM_001164266.1); short protein forms R61L.
Identifiers: ClinVar variation 4844129 (VCV004844129.1).
Genomic context (GRCh38, chr11:65,557,778, plus strand): 5'-CGACACTGGCCCTTGAGACAGGTCCGCTTGCAGATCACCGGCGCAAAGACCACCTTGAAG[C>A]GCTCGCGGGCCAGCGCCCCGCCCCCGCCTGCGCCCCGCTCGCCGGCCGGCCCCCCCTCGA-3'
Protein context (NP_001123616.1, residues 51-71): AGGGGALARE[Arg61Leu]FKVVFAPVIC